The following is an entry in ClinVar:

NM_012082.4(ZFPM2):c.2903A>G (p.Tyr968Cys)

Genes: ZFPM2 (zinc finger protein, FOG family member 2; plus strand), ZFPM2-AS1 (ZFPM2 antisense RNA 1; minus strand), LOC126860469 (BRD4-independent group 4 enhancer GRCh37_chr8:106814445-106815644; plus strand). Cytogenetic location: 8q23.1.
Variant type: single nucleotide variant.
Coding change: c.2903A>G on transcript NM_012082.4 (MANE Select); coding-DNA position 2903, A replaced by G.
Protein change: p.Tyr968Cys; replaces tyrosine 968 with cysteine.
Molecular consequence: missense variant.
Genome position (GRCh38, 1-based): chr8:105,802,985, A>G. VCF-style: chr8-105802985-A-G. GRCh37 (hg19) VCF-style: chr8-106815213-A-G.
Other names: c.2903A>G (NM_012082.3); c.2744A>G, p.Tyr915Cys (NM_001362836.2); c.2507A>G, p.Tyr836Cys (NM_001362837.2); short protein forms Y836C, Y915C, Y968C.
Identifiers: ClinVar variation 1018642 (VCV001018642.10), dbSNP rs908430101, ClinGen allele CA182650854.
Genomic context (GRCh38, chr8:105,802,985, plus strand): 5'-CTGCTCAGCTCATTGCTACAAAAGAAGAAAACAGACATTTGTTTCTTCCACAATGCCTTT[A>G]CCCTGGAGCAATAAAGAAAGCAAAAGGAGCCGACCAGCTTTCTCCATATTATGGAATCAA-3'
Protein context (NP_036214.2, residues 958-978): NRHLFLPQCL[Tyr968Cys]PGAIKKAKGA

ClinVar aggregate classification (germline): Uncertain significance. Review status: criteria provided, multiple submitters, no conflicts (2 of 4 stars). 2 submissions from 2 submitters: Uncertain significance (2). Last evaluated 2025-05-13.

Conditions:
46,XY sex reversal 9 (SRXY9). Also called: 46,XY SEX REVERSAL, ZFPM2-RELATED. Identifiers: Orphanet 251510, MedGen C4015129, MONDO:0014480, OMIM 616067.
Inborn genetic diseases. Identifiers: MedGen C0950123, MeSH D030342.

Allele frequency attached by ClinVar (database versions not stated): gnomAD exomes below 0.00001 and 0.00001; gnomAD 0.00001 and 0.00002; TOPMed 0.00002.
gnomAD v4.1: 12 of 1,612,702 alleles (0.00074%); highest among the groups gnomAD compares: Non-Finnish European, 0.00093%; no homozygotes.

Submissions (2):

Ambry Genetics
Classification: Uncertain significance for Inborn genetic diseases. Last evaluated: 2025-05-13. Review status: criteria provided, single submitter. Criteria: Ambry Variant Classification Scheme 2023. Collection method: clinical testing. Allele origin: germline.

Labcorp Genetics (formerly Invitae), Labcorp
Classification: Uncertain significance for 46,XY sex reversal 9. Last evaluated: 2020-10-01. Review status: criteria provided, single submitter. Criteria: Invitae Variant Classification Sherloc (09022015). Collection method: clinical testing. Allele origin: germline.
Comment: This sequence change replaces tyrosine with cysteine at codon 968 of the ZFPM2 protein (p.Tyr968Cys). The tyrosine residue is moderately conserved and there is a large physicochemical difference between tyrosine and cysteine. This variant is not present in population databases (ExAC no frequency). This variant has not been reported in the literature in individuals with ZFPM2-related conditions. Algorithms developed to predict the effect of missense changes on protein structure and function are either unavailable or do not agree on the potential impact of this missense change (SIFT: "Tolerated"; PolyPhen-2: "Probably Damaging"; Align-GVGD: "Class C0"). In summary, the available evidence is currently insufficient to determine the role of this variant in disease. Therefore, it has been classified as a Variant of Uncertain Significance.